The following is an entry in ClinVar:

NC_000002.12:g.121530935T>A

Genes: CLASP1 (cytoplasmic linker associated protein 1; minus strand), CLASP1-AS1 (CLASP1 antisense RNA 1; plus strand), RNU4ATAC (RNA, U4atac small nuclear; plus strand). Cytogenetic location: 2q14.2.
Variant type: single nucleotide variant.
Molecular consequence: intron variant (on NM_001395891.1).
Genome position: GRCh38 VCF-style: chr2-121530935-T-A. GRCh37 (hg19) VCF-style: chr2-122288511-T-A.
Other names: c.196-610A>T (NM_001142274.2, NM_015282.3, NM_001378003.1 and 5 more transcripts).
Identifiers: ClinVar variation 1384615 (VCV001384615.3), dbSNP rs776819299, ClinGen allele CA428887981.

ClinVar aggregate classification (germline): Uncertain significance (1 of 4 stars; one submission).

Submission:

Labcorp Genetics (formerly Invitae), Labcorp
Classification: Uncertain significance. Last evaluated: 2021-04-03. Review status: criteria provided, single submitter. Criteria: Invitae Variant Classification Sherloc (09022015). Collection method: clinical testing. Allele origin: germline.
Comment: This variant occurs in the RNU4ATAC gene, which encodes an RNA molecule that does not result in a protein product. The frequency data for this variant in the population databases is considered unreliable, as metrics indicate insufficient coverage at this position in the ExAC database. This variant has not been reported in the literature in individuals with RNU4ATAC-related conditions. Experimental studies and prediction algorithms are not available or were not evaluated, and the functional significance of this variant is currently unknown. In summary, the available evidence is currently insufficient to determine the role of this variant in disease. Therefore, it has been classified as a Variant of Uncertain Significance.